The following is an entry in ClinVar:

NM_000179.3(MSH6):c.3548T>A (p.Ile1183Lys)

Gene: MSH6 (mutS homolog 6; plus strand). Cytogenetic location: 2p16.3.
Variant type: single nucleotide variant.
Coding change: c.3548T>A on transcript NM_000179.3 (MANE Select); coding-DNA position 3548, T replaced by A.
Protein change: p.Ile1183Lys; replaces isoleucine 1183 with lysine.
Molecular consequence: missense variant.
Genome position (GRCh38, 1-based): chr2:47,805,019, T>A. VCF-style: chr2-47805019-T-A. GRCh37 (hg19) VCF-style: chr2-48032158-T-A.
Other names: c.3158T>A, p.Ile1053Lys (NM_001281492.2); c.2642T>A, p.Ile881Lys (NM_001281493.2, NM_001281494.2); short protein forms I1183K, I881K, I1053K.
Identifiers: ClinVar variation 435898 (VCV000435898.24), dbSNP rs1459635476, ClinGen allele CA346760263.

ClinVar aggregate classification (germline): Uncertain significance. Review status: criteria provided, multiple submitters, no conflicts (2 of 4 stars). 7 submissions from 7 submitters: Uncertain significance (7). Last evaluated 2025-08-21.

Conditions:
Hereditary cancer-predisposing syndrome. Also called: Hereditary neoplastic syndrome; Hereditary Cancer Syndrome; Tumor predisposition; Neoplastic Syndromes, Hereditary. Identifiers: Orphanet 140162, MedGen C0027672, MeSH D009386, MONDO:0015356.
Hereditary nonpolyposis colorectal neoplasms. Identifiers: MedGen C0009405, MeSH D003123.

Allele frequency attached by ClinVar (database versions not stated): gnomAD exomes below 0.00001; TOPMed below 0.00001.
gnomAD v4.1: 1 of 1,610,064 alleles (0.000062%); highest among the groups gnomAD compares: East Asian, 0.0022%; no homozygotes.

Submissions (7):

Quest Diagnostics Nichols Institute San Juan Capistrano
Classification: Uncertain significance. Last evaluated: 2025-08-21. Review status: criteria provided, single submitter. Criteria: Quest Diagnostics criteria. Collection method: clinical testing. Allele origin: unknown.
Comment: The MSH6 c.3548T>A (p.Ile1183Lys) variant has not been reported in individuals with MSH6-related conditions in the published literature. This variant has not been reported in large, multi-ethnic general populations (Genome Aggregation Database). Analysis of this variant using bioinformatics tools for the prediction of the effect of amino acid changes on protein structure and function yielded predictions that this variant is damaging. Based on the available information, we are unable to determine the clinical significance of this variant.

Labcorp Genetics (formerly Invitae), Labcorp
Classification: Uncertain significance for Hereditary nonpolyposis colorectal neoplasms. Last evaluated: 2025-02-23. Review status: criteria provided, single submitter. Criteria: Invitae Variant Classification Sherloc (09022015). Collection method: clinical testing. Allele origin: germline.
Comment: This sequence change replaces isoleucine, which is neutral and non-polar, with lysine, which is basic and polar, at codon 1183 of the MSH6 protein (p.Ile1183Lys). This variant is not present in population databases (gnomAD no frequency). This variant has not been reported in the literature in individuals affected with MSH6-related conditions. ClinVar contains an entry for this variant (Variation ID: 435898). Invitae Evidence Modeling of protein sequence and biophysical properties (such as structural, functional, and spatial information, amino acid conservation, physicochemical variation, residue mobility, and thermodynamic stability) indicates that this missense variant is expected to disrupt MSH6 protein function with a positive predictive value of 80%. In summary, the available evidence is currently insufficient to determine the role of this variant in disease. Therefore, it has been classified as a Variant of Uncertain Significance.

Women's Health and Genetics/Laboratory Corporation of America, LabCorp
Classification: Uncertain significance. Last evaluated: 2023-09-09. Review status: criteria provided, single submitter. Criteria: LabCorp Variant Classification Summary - May 2015. Collection method: clinical testing. Allele origin: germline.

Ambry Genetics
Classification: Uncertain significance for Hereditary cancer-predisposing syndrome. Last evaluated: 2023-05-31. Review status: criteria provided, single submitter. Criteria: Ambry Variant Classification Scheme 2023. Collection method: clinical testing. Allele origin: germline.
Comment: The p.I1183K variant (also known as c.3548T>A), located in coding exon 6 of the MSH6 gene, results from a T to A substitution at nucleotide position 3548. The isoleucine at codon 1183 is replaced by lysine, an amino acid with dissimilar properties. This amino acid position is highly conserved in available vertebrate species. In addition, this alteration is predicted to be deleterious by in silico analysis. Since supporting evidence is limited at this time, the clinical significance of this alteration remains unclear.

GeneDx
Classification: Uncertain significance. Last evaluated: 2023-01-13. Review status: criteria provided, single submitter. Criteria: GeneDx Variant Classification Process June 2021. Collection method: clinical testing. Allele origin: germline. Affected: yes.
Comment: Not observed at significant frequency in large population cohorts (gnomAD); In silico analysis supports that this missense variant has a deleterious effect on protein structure/function; Has not been previously published as pathogenic or benign to our knowledge; This variant is associated with the following publications: (PMID: 17531815, 21120944)

Color Diagnostics, LLC DBA Color Health
Classification: Uncertain significance for Hereditary cancer-predisposing syndrome. Last evaluated: 2020-12-03. Review status: criteria provided, single submitter. Criteria: ACMG Guidelines, 2015. Collection method: clinical testing. Allele origin: germline.
Comment: This missense variant replaces isoleucine with lysine at codon 1183 of the MSH6 protein. Computational prediction suggests that this variant may have deleterious impact on protein structure and function (internally defined REVEL score threshold >= 0.7, PMID: 27666373). To our knowledge, functional studies have not been reported for this variant. This variant has not been reported in individuals affected with hereditary cancer in the literature. This variant has not been identified in the general population by the Genome Aggregation Database (gnomAD). The available evidence is insufficient to determine the role of this variant in disease conclusively. Therefore, this variant is classified as a Variant of Uncertain Significance.

Genetic Services Laboratory, University of Chicago
Classification: Uncertain significance. Last evaluated: 2016-11-23. Review status: criteria provided, single submitter. Criteria: ACMG Guidelines, 2015. Collection method: clinical testing. Allele origin: germline. Affected: no.